The following is an entry in ClinVar:

ClinVar aggregate classification (germline): Uncertain significance (1 of 4 stars; one submission).

Conditions:
Atrial fibrillation, familial, 18 (ATFB18). Identifiers: MedGen C4310636, MONDO:0015001, OMIM 617280.

Submission:

Labcorp Genetics (formerly Invitae), Labcorp
Classification: Uncertain significance for Atrial fibrillation, familial, 18. Last evaluated: 2024-06-18. Review status: criteria provided, single submitter. Criteria: Invitae Variant Classification Sherloc (09022015). Collection method: clinical testing. Allele origin: germline.
Comment: This sequence change falls in intron 6 of the MYL4 gene. It does not directly change the encoded amino acid sequence of the MYL4 protein. It affects a nucleotide within the consensus splice site. This variant is not present in population databases (gnomAD no frequency). This variant has not been reported in the literature in individuals affected with MYL4-related conditions. Variants that disrupt the consensus splice site are a relatively common cause of aberrant splicing (PMID: 17576681, 9536098). Algorithms developed to predict the effect of sequence changes on RNA splicing suggest that this variant is not likely to affect RNA splicing. In summary, the available evidence is currently insufficient to determine the role of this variant in disease. Therefore, it has been classified as a Variant of Uncertain Significance.

Literature cited by the submitters: PubMed 17576681; PubMed 9536098.

NM_002476.2(MYL4):c.566-3T>C

Gene: MYL4 (myosin light chain 4; plus strand). Cytogenetic location: 17q21.32.
Variant type: single nucleotide variant.
Coding change: c.566-3T>C on transcript NM_002476.2 (MANE Select); 3 bases into the intron before coding-DNA position 566, T replaced by C.
Molecular consequence: intron variant.
Genome position (GRCh38, 1-based): chr17:47,223,011, T>C. VCF-style: chr17-47223011-T-C. GRCh37 (hg19) VCF-style: chr17-45300377-T-C.
Other names: c.566-3T>C (NM_001002841.2).
Identifiers: ClinVar variation 3630202 (VCV003630202.2).